The following is an entry in ClinVar:

NM_001006658.3(CR2):c.446-10G>T

Gene: CR2 (complement C3d receptor 2; plus strand). Cytogenetic location: 1q32.2.
Variant type: single nucleotide variant.
Coding change: c.446-10G>T on transcript NM_001006658.3 (MANE Select); 10 bases into the intron before coding-DNA position 446, G replaced by T.
Molecular consequence: intron variant.
Genome position (GRCh38, 1-based): chr1:207,468,517, G>T. VCF-style: chr1-207468517-G-T. GRCh37 (hg19) VCF-style: chr1-207641862-G-T.
Other names: c.446-10G>T (NM_001877.5).
Identifiers: ClinVar variation 1032520 (VCV001032520.1), dbSNP rs1422635726, ClinGen allele CA528608718.

ClinVar aggregate classification (germline): Uncertain significance (1 of 4 stars; one submission).

Conditions:
Immunodeficiency, common variable, 7. Identifiers: Orphanet 1572, Orphanet 696894, MedGen C3542922, MONDO:0013862, OMIM 614699.

Allele frequency attached by ClinVar (database versions not stated): TOPMed below 0.00001; gnomAD exomes below 0.00001; gnomAD 0.00002.
gnomAD v4.1: 9 of 1,613,534 alleles (0.00056%); highest among the groups gnomAD compares: African/African-American, 0.0053%; no homozygotes.

Submission:

Baylor Genetics
Classification: Uncertain significance for Immunodeficiency, common variable, 7. Last evaluated: 2018-04-14. Review status: criteria provided, single submitter. Criteria: ACMG Guidelines, 2015. Collection method: clinical testing. Allele origin: paternal. Affected: yes.
Comment: This variant was determined to be of uncertain significance according to ACMG Guidelines, 2015 [PMID:25741868].